The following is an entry in ClinVar:

NM_006744.4(RBP4):c.293C>A (p.Thr98Asn)

Gene: RBP4 (retinol binding protein 4; minus strand). Cytogenetic location: 10q23.33.
Variant type: single nucleotide variant.
Coding change: c.293C>A on transcript NM_006744.4 (MANE Select); coding-DNA position 293, C replaced by A.
Protein change: p.Thr98Asn; replaces threonine 98 with asparagine.
Molecular consequence: missense variant.
Genome position (GRCh38, 1-based): chr10:93,600,455, G>T on the plus strand (C>A on the coding strand, the complement: RBP4 is on the minus strand). VCF-style: chr10-93600455-G-T. GRCh37 (hg19) VCF-style: chr10-95360212-G-T.
Other names: c.293C>A, p.Thr98Asn (NM_001323517.1); c.287C>A, p.Thr96Asn (NM_001323518.2); c.293C>A (NM_006744.3); short protein forms T98N, T96N.
Identifiers: ClinVar variation 1043808 (VCV001043808.12), dbSNP rs2058329273, ClinGen allele CA377617337.

ClinVar aggregate classification (germline): Uncertain significance. Review status: criteria provided, multiple submitters, no conflicts (2 of 4 stars). 3 submissions from 3 submitters: Uncertain significance (3). Last evaluated 2025-03-10.

Conditions:
Inborn genetic diseases. Identifiers: MedGen C0950123, MeSH D030342.

Allele frequency attached by ClinVar (database versions not stated): TOPMed 0.00001.

Submissions (3):

Labcorp Genetics (formerly Invitae), Labcorp
Classification: Uncertain significance. Last evaluated: 2025-03-10. Review status: criteria provided, single submitter. Criteria: Invitae Variant Classification Sherloc (09022015). Collection method: clinical testing. Allele origin: germline.
Comment: This sequence change replaces threonine, which is neutral and polar, with asparagine, which is neutral and polar, at codon 98 of the RBP4 protein (p.Thr98Asn). This variant is not present in population databases (gnomAD no frequency). This variant has not been reported in the literature in individuals affected with RBP4-related conditions. ClinVar contains an entry for this variant (Variation ID: 1043808). An algorithm developed to predict the effect of missense changes on protein structure and function (PolyPhen-2) suggests that this variant is likely to be disruptive. In summary, the available evidence is currently insufficient to determine the role of this variant in disease. Therefore, it has been classified as a Variant of Uncertain Significance.

Ambry Genetics
Classification: Uncertain significance for Inborn genetic diseases. Last evaluated: 2024-11-13. Review status: criteria provided, single submitter. Criteria: Ambry Variant Classification Scheme 2023. Collection method: clinical testing. Allele origin: germline.

Blueprint Genetics
Classification: Uncertain significance. Last evaluated: 2021-11-07. Review status: criteria provided, single submitter. Criteria: ACMG Guidelines, 2015. Collection method: clinical testing. Allele origin: germline.